The following is an entry in ClinVar:

NM_016734.3(PAX5):c.588G>T (p.Lys196Asn)

Genes: PAX5 (paired box 5; minus strand), LOC105376032 (uncharacterized LOC105376032; plus strand). Cytogenetic location: 9p13.2.
Variant type: single nucleotide variant.
Coding change: c.588G>T on transcript NM_016734.3 (MANE Select); coding-DNA position 588, G replaced by T.
Protein change: p.Lys196Asn; replaces lysine 196 with asparagine.
Molecular consequence: missense variant. On other transcripts: non-coding transcript variant (2), intron variant (2).
Genome position (GRCh38, 1-based): chr9:37,002,664, C>A on the plus strand (G>T on the coding strand, the complement: PAX5 is on the minus strand). VCF-style: chr9-37002664-C-A. GRCh37 (hg19) VCF-style: chr9-37002661-C-A.
Other names: c.588G>T, p.Lys196Asn (NM_001280547.2, NM_001280548.2, NM_001280549.2 and 2 more transcripts); c.264G>T, p.Lys88Asn (NM_001280551.2, NM_001280556.2); c.390G>T, p.Lys130Asn (NM_001280555.2); c.475+3809G>T (NM_001280553.2, NM_001280554.2); short protein forms K130N, K196N, K88N.
Identifiers: ClinVar variation 4861595 (VCV004861595.1).
Genomic context (GRCh38, chr9:37,002,664, plus strand): 5'-CCCGTGGAGCGCATCCCCGACGGGGCTGCGCGGGCCTCTCTTACCTTCGTCTCTCTTGCG[C>A]TTGTTGGTGTCGGCGCTGGGGGACGTGATGCCCAGGATGCCGCTGATGGAGTACGACGAG-3'
Protein context (NP_057953.1, residues 186-206): GITSPSADTN[Lys196Asn]RKRDEGIQES

ClinVar aggregate classification (germline): Uncertain significance (1 of 4 stars; one submission).

Conditions:
Inborn genetic diseases. Identifiers: MedGen C0950123, MeSH D030342.

Submission:

Ambry Genetics
Classification: Uncertain significance for Inborn genetic diseases. Last evaluated: 2026-03-28. Review status: criteria provided, single submitter. Criteria: Ambry Variant Classification Scheme 2023. Collection method: clinical testing. Allele origin: germline.
Comment: The p.K196N variant (also known as c.588G>T), located in coding exon 5 of the PAX5 gene, results from a G to T substitution at nucleotide position 588. The lysine at codon 196 is replaced by asparagine, an amino acid with similar properties. This amino acid position is conserved. In addition, the in silico prediction for this alteration is inconclusive. Based on the available evidence, the clinical significance of this variant remains unclear.